The following is an entry in ClinVar:

NM_001372078.1(REV3L):c.1923_1928del (p.His641_Glu643delinsGln)

Gene: REV3L (REV3 like, DNA directed polymerase zeta catalytic subunit; minus strand). Cytogenetic location: 6q21.
Variant type: Deletion.
Coding change: c.1923_1928del on transcript NM_001372078.1 (MANE Select); coding-DNA positions 1923 to 1928, 6 bases deleted (TAAAGA; older notation c.1923_1928delTAAAGA).
Protein change: p.His641_Glu643delinsGln.
Molecular consequence: inframe indel.
Genome position (GRCh38, 1-based): chr6:111,376,427-111,376,432, TCTTTA deleted on the plus strand (TAAAGA on the coding strand, the reverse complement: REV3L is on the minus strand); deleting any 6 consecutive bases within chr6:111,376,427-111,376,433 gives the same sequence; the c. name uses the placement nearest the transcript's 3' end. VCF-style (leftmost placement, unchanged base first): chr6-111376426-CTCTTTA-C. GRCh37 (hg19) VCF-style: chr6-111697629-CTCTTTA-C.
Other names: c.1923_1928delTAAAGA (NM_002912.4); c.1689_1694del, p.His563_Glu565delinsGln (NM_001286431.2, NM_001286432.2); c.1923_1928del, p.His641_Glu643delinsGln (NM_002912.5).
Identifiers: ClinVar variation 718281 (VCV000718281.5), dbSNP rs562385494, ClinGen allele CA3962432.
Genomic context (GRCh38, chr6:111,376,426, plus strand): 5'-TTCATAATCAAAAATACTACTTTCACAGGAAGATACTGGGAGGATCTCTTTCTTACTATT[CTCTTTA>C]TGAGAATTTTCTGAATGAACAGTACTGCTTAAAGATCCAGGGTATTTCATAGAATAAGTG-3'

ClinVar aggregate classification (germline): Likely benign. Review status: criteria provided, multiple submitters, no conflicts (2 of 4 stars). 2 submissions from 2 submitters: Likely benign (2). Last evaluated 2025-05-22.

Conditions:
REV3L-related disorder. Also called: REV3L-related condition.

Submissions (2):

PreventionGenetics, part of Exact Sciences
Classification: Likely benign for REV3L-related condition. Last evaluated: 2025-05-22. Review status: criteria provided, single submitter. Criteria: ACMG Guidelines, 2015. Collection method: clinical testing. Allele origin: germline.
Comment: This variant is classified as likely benign based on ACMG/AMP sequence variant interpretation guidelines (Richards et al. 2015 PMID: 25741868, with internal and published modifications).

Labcorp Genetics (formerly Invitae), Labcorp
Classification: Likely benign. Last evaluated: 2019-12-31. Review status: criteria provided, single submitter. Criteria: Invitae Variant Classification Sherloc (09022015). Collection method: clinical testing. Allele origin: germline.